The following is an entry in ClinVar:

ClinVar aggregate classification (germline): Conflicting classifications of pathogenicity. Review status: criteria provided, conflicting classifications (1 of 4 stars). 3 submissions from 3 submitters: Uncertain significance (2); Likely benign (1). Last evaluated 2023-07-14.

Conditions:
Retinoblastoma (RB1). Also called: RETINOBLASTOMA, SOMATIC. Identifiers: Orphanet 790, MedGen C0035335, MeSH D012175, MONDO:0008380, OMIM 180200, HP:0009919. Disease mechanism: loss of function. Inheritance: Both sporadic and heritable forms are tested..
Hereditary cancer-predisposing syndrome. Also called: Hereditary Cancer Syndrome; Hereditary neoplastic syndrome; Neoplastic Syndromes, Hereditary; Tumor predisposition. Identifiers: Orphanet 140162, MedGen C0027672, MeSH D009386, MONDO:0015356.

Submissions (3):

Labcorp Genetics (formerly Invitae), Labcorp
Classification: Likely benign for Retinoblastoma. Last evaluated: 2023-07-14. Review status: criteria provided, single submitter. Criteria: Invitae Variant Classification Sherloc (09022015). Collection method: clinical testing. Allele origin: germline.

Ambry Genetics
Classification: Uncertain significance for Hereditary cancer-predisposing syndrome. Last evaluated: 2022-09-09. Review status: criteria provided, single submitter. Criteria: Ambry Variant Classification Scheme 2023. Collection method: clinical testing. Allele origin: germline.
Comment: The c.607+5G>A intronic variant results from a G to A substitution 5 nucleotides after coding exon 6 in the RB1 gene. This nucleotide position is poorly conserved in available vertebrate species. In silico splice site analysis predicts that this alteration will not have any significant effect on splicing. Since supporting evidence is limited at this time, the clinical significance of this alteration remains unclear.

Sema4
Classification: Uncertain significance for Hereditary cancer-predisposing syndrome. Last evaluated: 2021-04-15. Review status: criteria provided, single submitter. Criteria: Sema4 Curation Guidelines. Collection method: curation. Allele origin: germline.
Comment: The RB1 c.607+5G>A variant has not been reported in the literature to our knowledge. It was not observed in the large and broad cohorts of the Genome Aggregation Database. The variant has not been reported in ClinVar. In silico tools suggest that this variant does not affect splicing, though these predictions have not been confirmed by functional studies. The evidence is insufficient to meet ACMG/AMP criteria for classifying the variant as benign or pathogenic. Thus, the clinical significance of this variant is currently uncertain.

NM_000321.3(RB1):c.607+5G>A

Gene: RB1 (RB transcriptional corepressor 1; plus strand). Cytogenetic location: 13q14.2.
Variant type: single nucleotide variant.
Coding change: c.607+5G>A on transcript NM_000321.3 (MANE Select); 5 bases into the intron after coding-DNA position 607, G replaced by A.
Molecular consequence: intron variant.
Genome position (GRCh38, 1-based): chr13:48,349,028, G>A. VCF-style: chr13-48349028-G-A. GRCh37 (hg19) VCF-style: chr13-48923164-G-A.
Identifiers: ClinVar variation 1692388 (VCV001692388.6), dbSNP rs2138093817, ClinGen allele CA2573149561.